The following is an entry in ClinVar:

ClinVar aggregate classification (germline): Uncertain significance (1 of 4 stars; one submission).

Conditions:
Osteogenesis imperfecta type I (OI1). Also called: Lobstein disease; Osteogenesis imperfecta type 1; Lobstein's Disease; Classic Non-deforming Osteogenesis Imperfecta with Blue Sclerae; OI, TYPE I; OSTEOGENESIS IMPERFECTA TARDA. Identifiers: Orphanet 216796, Orphanet 666, MedGen C0023931, MONDO:0008146, OMIM 166200. Disease mechanism: loss of function.

gnomAD v4.1: 1 of 1,612,554 alleles (0.000062%); no homozygotes.

Submission:

Labcorp Genetics (formerly Invitae), Labcorp
Classification: Uncertain significance for Osteogenesis imperfecta type I. Last evaluated: 2021-08-11. Review status: criteria provided, single submitter. Criteria: Invitae Variant Classification Sherloc (09022015). Collection method: clinical testing. Allele origin: germline.
Comment: This variant has not been reported in the literature in individuals affected with COL1A1-related conditions. In summary, the available evidence is currently insufficient to determine the role of this variant in disease. Therefore, it has been classified as a Variant of Uncertain Significance. Advanced modeling of protein sequence and biophysical properties (such as structural, functional, and spatial information, amino acid conservation, physicochemical variation, residue mobility, and thermodynamic stability) performed at Invitae indicates that this missense variant is not expected to disrupt COL1A1 protein function. This variant is not present in population databases (ExAC no frequency). This sequence change replaces aspartic acid with histidine at codon 1344 of the COL1A1 protein (p.Asp1344His). The aspartic acid residue is highly conserved and there is a moderate physicochemical difference between aspartic acid and histidine.

NM_000088.4(COL1A1):c.4030G>C (p.Asp1344His)

Gene: COL1A1 (collagen type I alpha 1 chain; minus strand). Cytogenetic location: 17q21.33.
Variant type: single nucleotide variant.
Coding change: c.4030G>C on transcript NM_000088.4 (MANE Select); coding-DNA position 4030, G replaced by C.
Protein change: p.Asp1344His; replaces aspartic acid 1344 with histidine.
Molecular consequence: missense variant.
Genome position (GRCh38, 1-based): chr17:50,185,996, C>G on the plus strand (G>C on the coding strand, the complement: COL1A1 is on the minus strand). VCF-style: chr17-50185996-C-G. GRCh37 (hg19) VCF-style: chr17-48263357-C-G.
Other names: short protein forms D1344H.
Identifiers: ClinVar variation 1512120 (VCV001512120.6), dbSNP rs371547661, ClinGen allele CA400192754.